The following is an entry in ClinVar:

NM_020435.4(GJC2):c.1082G>T (p.Gly361Val)

Gene: GJC2 (gap junction protein gamma 2; plus strand). Cytogenetic location: 1q42.13.
Variant type: single nucleotide variant.
Coding change: c.1082G>T on transcript NM_020435.4 (MANE Select); coding-DNA position 1082, G replaced by T.
Protein change: p.Gly361Val; replaces glycine 361 with valine.
Molecular consequence: missense variant.
Genome position (GRCh38, 1-based): chr1:228,158,840, G>T. VCF-style: chr1-228158840-G-T. GRCh37 (hg19) VCF-style: chr1-228346541-G-T.
Other names: short protein forms G361V.
Identifiers: ClinVar variation 568796 (VCV000568796.11), dbSNP rs1372028650, ClinGen allele CA345100523.

ClinVar aggregate classification (germline): Uncertain significance. Review status: criteria provided, multiple submitters, no conflicts (2 of 4 stars). 2 submissions from 2 submitters: Uncertain significance (2). Last evaluated 2024-05-13.

Conditions:
Inborn genetic diseases. Identifiers: MedGen C0950123, MeSH D030342.
Spastic paraplegia. Identifiers: MedGen C0037772, HP:0001258.

Allele frequency attached by ClinVar (database versions not stated): TOPMed 0.00002; gnomAD 0.00010.
gnomAD v4.1: 9 of 1,469,624 alleles (0.00061%); highest among the groups gnomAD compares: East Asian, 0.027%; no homozygotes.

Submissions (2):

Ambry Genetics
Classification: Uncertain significance for Inborn genetic diseases. Last evaluated: 2024-05-13. Review status: criteria provided, single submitter. Criteria: Ambry Variant Classification Scheme 2023. Collection method: clinical testing. Allele origin: germline.

Labcorp Genetics (formerly Invitae), Labcorp
Classification: Uncertain significance for Spastic paraplegia. Last evaluated: 2024-02-17. Review status: criteria provided, single submitter. Criteria: Invitae Variant Classification Sherloc (09022015). Collection method: clinical testing. Allele origin: germline.
Comment: This sequence change replaces glycine, which is neutral and non-polar, with valine, which is neutral and non-polar, at codon 361 of the GJC2 protein (p.Gly361Val). This variant is present in population databases (no rsID available, gnomAD 0.05%). This variant has not been reported in the literature in individuals affected with GJC2-related conditions. ClinVar contains an entry for this variant (Variation ID: 568796). Advanced modeling of protein sequence and biophysical properties (such as structural, functional, and spatial information, amino acid conservation, physicochemical variation, residue mobility, and thermodynamic stability) has been performed at Invitae for this missense variant, however the output from this modeling did not meet the statistical confidence thresholds required to predict the impact of this variant on GJC2 protein function. In summary, the available evidence is currently insufficient to determine the role of this variant in disease. Therefore, it has been classified as a Variant of Uncertain Significance.